The following is an entry in ClinVar:

ClinVar aggregate classification (germline): Uncertain significance. Review status: criteria provided, multiple submitters, no conflicts (2 of 4 stars). 2 submissions from 2 submitters: Uncertain significance (2). Last evaluated 2025-04-24.

Conditions:
PKHD1L1-related disorder. Also called: PKHD1L1-related condition.

gnomAD v4.1: 2 of 1,591,050 alleles (0.00013%); highest among the groups gnomAD compares: Non-Finnish European, 0.00017%; no homozygotes.

Submissions (2):

Ambry Genetics
Classification: Uncertain significance. Last evaluated: 2025-04-24. Review status: criteria provided, single submitter. Criteria: Ambry Variant Classification Scheme 2023. Collection method: clinical testing. Allele origin: germline.

PreventionGenetics, part of Exact Sciences
Classification: Uncertain significance for PKHD1L1-related condition. Last evaluated: 2024-12-09. Review status: criteria provided, single submitter. Criteria: ACMG Guidelines, 2015. Collection method: clinical testing. Allele origin: germline.
Comment: The PKHD1L1 c.6092T>C variant is predicted to result in the amino acid substitution p.Ile2031Thr. To our knowledge, this variant has not been reported in the literature or in a large population database (gnomAD), indicating this variant is rare. At this time, the clinical significance of this variant is uncertain due to the absence of conclusive functional and genetic evidence.

NM_177531.6(PKHD1L1):c.6092T>C (p.Ile2031Thr)

Gene: PKHD1L1 (PKHD1 like 1; plus strand). Cytogenetic location: 8q23.1.
Variant type: single nucleotide variant.
Coding change: c.6092T>C on transcript NM_177531.6 (MANE Select); coding-DNA position 6092, T replaced by C.
Protein change: p.Ile2031Thr; replaces isoleucine 2031 with threonine.
Molecular consequence: missense variant.
Genome position (GRCh38, 1-based): chr8:109,449,404, T>C. VCF-style: chr8-109449404-T-C. GRCh37 (hg19) VCF-style: chr8-110461633-T-C.
Other names: short protein forms I2031T.
Identifiers: ClinVar variation 3933196 (VCV003933196.2).